The following is an entry in ClinVar:

ClinVar aggregate classification (germline): Benign/Likely benign. Review status: criteria provided, multiple submitters, no conflicts (2 of 4 stars). 6 submissions from 6 submitters: Benign (3); Likely benign (3). Last evaluated 2026-08-01.

Conditions:
Cardiovascular phenotype. Identifiers: MedGen CN230736.
Distal myopathy with posterior leg and anterior hand involvement. Also called: WILLIAMS DISTAL MYOPATHY. Identifiers: Orphanet 63273, MedGen C3279722, MONDO:0013550, OMIM 614065.
Hypertrophic cardiomyopathy 26. Also called: Cardiomyopathy, familial hypertrophic, 26. Identifiers: Orphanet 75249, MedGen C4310749, MONDO:0014883, OMIM 617047.
Myofibrillar myopathy 5. Also called: Filaminopathy (type); FILAMINOPATHY, AUTOSOMAL DOMINANT. Identifiers: Orphanet 171445, MedGen C1836050, MONDO:0012289, OMIM 609524.

Allele frequency attached by ClinVar (database versions not stated): gnomAD 0.00002 and 0.00003; TOPMed 0.00006; ExAC 0.00013; gnomAD exomes 0.00014.
gnomAD v4.1: 36 of 1,613,216 alleles (0.0022%); highest among the groups gnomAD compares: East Asian, 0.053%; no homozygotes.

Submissions (6):

CeGaT Center for Human Genetics Tuebingen
Classification: Likely benign. Last evaluated: 2026-08-01. Review status: criteria provided, single submitter. Criteria: CeGaT Center For Human Genetics Tuebingen Variant Classification Criteria Version 2. Collection method: clinical testing. Allele origin: germline. Affected: yes. Observed: 2 variant alleles.
Comment: FLNC: BP4, BP7

Women's Health and Genetics/Laboratory Corporation of America, LabCorp
Classification: Benign. Last evaluated: 2026-03-23. Review status: criteria provided, single submitter. Criteria: LabCorp Variant Classification Summary - May 2015. Collection method: clinical testing. Allele origin: germline.

Labcorp Genetics (formerly Invitae), Labcorp
Classification: Benign for Distal myopathy with posterior leg and anterior hand involvement; Myofibrillar myopathy 5; Hypertrophic cardiomyopathy 26. Last evaluated: 2026-01-04. Review status: criteria provided, single submitter. Criteria: Invitae Variant Classification Sherloc (09022015). Collection method: clinical testing. Allele origin: germline.

Blueprint Genetics
Classification: Likely benign. Last evaluated: 2023-02-23. Review status: criteria provided, single submitter. Criteria: ACMG Guidelines, 2015. Collection method: clinical testing. Allele origin: germline.

GeneDx
Classification: Benign. Last evaluated: 2021-06-18. Review status: criteria provided, single submitter. Criteria: GeneDx Variant Classification Process June 2021. Collection method: clinical testing. Allele origin: germline. Affected: yes.

Ambry Genetics
Classification: Likely benign for Cardiovascular phenotype. Last evaluated: 2021-03-04. Review status: criteria provided, single submitter. Criteria: Ambry Variant Classification Scheme 2023. Collection method: clinical testing. Allele origin: germline.

NM_001458.5(FLNC):c.5910C>T (p.Thr1970=)

Genes: FLNC (filamin C; plus strand), FLNC-AS1 (FLNC antisense RNA 1; minus strand). Cytogenetic location: 7q32.1.
Variant type: single nucleotide variant.
Coding change: c.5910C>T on transcript NM_001458.5 (MANE Select); coding-DNA position 5910, C replaced by T.
Protein change: p.Thr1970=; no amino-acid change (threonine 1970 retained).
Molecular consequence: synonymous variant.
Genome position (GRCh38, 1-based): chr7:128,852,658, C>T. VCF-style: chr7-128852658-C-T. GRCh37 (hg19) VCF-style: chr7-128492712-C-T.
Other names: c.5811C>T, p.Thr1937= (NM_001127487.2).
Identifiers: ClinVar variation 472117 (VCV000472117.23), dbSNP rs544613263, ClinGen allele CA4475831.
Genomic context (GRCh38, chr7:128,852,658, plus strand): 5'-CTCCATGAGGACCTCACAGCTGAATGTGGGCACCTCCACGGACGTGTCACTGAAGATCAC[C>T]GAGAGTGATCTGAGCCAGCTGACCGCCAGCATCCGTGCCCCCTCGGGCAACGAGGAGCCC-3'
Protein context (NP_001449.3, residues 1960-1980): GTSTDVSLKI[Thr1970=]ESDLSQLTAS